The following is an entry in ClinVar:

ClinVar aggregate classification (germline): Conflicting classifications of pathogenicity. Review status: criteria provided, conflicting classifications (1 of 4 stars). 2 submissions from 2 submitters: Uncertain significance (1); Likely benign (1). Last evaluated 2025-03-14.

Conditions:
Inborn genetic diseases. Identifiers: MedGen C0950123, MeSH D030342.

Allele frequency attached by ClinVar (database versions not stated): gnomAD exomes below 0.00001; TOPMed below 0.00001.
gnomAD v4.1: 2 of 1,613,108 alleles (0.00012%); highest among the groups gnomAD compares: Non-Finnish European, 0.00017%; no homozygotes.

Submissions (2):

Ambry Genetics
Classification: Likely benign for Inborn genetic diseases. Last evaluated: 2025-03-14. Review status: criteria provided, single submitter. Criteria: Ambry Variant Classification Scheme 2023. Collection method: clinical testing. Allele origin: germline.

Labcorp Genetics (formerly Invitae), Labcorp
Classification: Uncertain significance. Last evaluated: 2023-10-16. Review status: criteria provided, single submitter. Criteria: Invitae Variant Classification Sherloc (09022015). Collection method: clinical testing. Allele origin: germline.
Comment: This sequence change replaces phenylalanine, which is neutral and non-polar, with leucine, which is neutral and non-polar, at codon 2094 of the FREM1 protein (p.Phe2094Leu). This variant is not present in population databases (gnomAD no frequency). This variant has not been reported in the literature in individuals affected with FREM1-related conditions. Algorithms developed to predict the effect of missense changes on protein structure and function output the following: SIFT: "Not Available"; PolyPhen-2: "Benign"; Align-GVGD: "Not Available". The leucine amino acid residue is found in multiple mammalian species, which suggests that this missense change does not adversely affect protein function. In summary, the available evidence is currently insufficient to determine the role of this variant in disease. Therefore, it has been classified as a Variant of Uncertain Significance.

NM_001379081.2(FREM1):c.6282C>A (p.Phe2094Leu)

Gene: FREM1 (FRAS1 related extracellular matrix 1; minus strand). Cytogenetic location: 9p22.3.
Variant type: single nucleotide variant.
Coding change: c.6282C>A on transcript NM_001379081.2 (MANE Select); coding-DNA position 6282, C replaced by A.
Protein change: p.Phe2094Leu; replaces phenylalanine 2094 with leucine.
Molecular consequence: missense variant. On other transcripts: non-coding transcript variant (3).
Genome position (GRCh38, 1-based): chr9:14,740,207, G>T on the plus strand (C>A on the coding strand, the complement: FREM1 is on the minus strand). VCF-style: chr9-14740207-G-T. GRCh37 (hg19) VCF-style: chr9-14740205-G-T.
Other names: c.6282C>A (NM_144966.5); c.1890C>A, p.Phe630Leu (NM_001177704.3, NM_001370061.2); c.1624C>A, p.Leu542Ile (NM_001370058.2); c.6282C>A, p.Phe2094Leu (NM_144966.7); short protein forms L542I, F2094L, F630L.
Identifiers: ClinVar variation 2980225 (VCV002980225.4), dbSNP rs1279639790, ClinGen allele CA372952515.